The following is an entry in ClinVar:

NM_000258.3(MYL3):c.560-2del

Gene: MYL3 (myosin light chain 3; minus strand). Cytogenetic location: 3p21.31.
Variant type: Deletion.
Coding change: c.560-2del on transcript NM_000258.3 (MANE Select); the canonical splice acceptor site of the intron before coding-DNA position 560, one base deleted (A; older notation c.560-2delA).
Molecular consequence: splice acceptor variant.
Genome position (GRCh38, 1-based): chr3:46,858,274, T deleted on the plus strand (A on the coding strand, the reverse complement: MYL3 is on the minus strand). VCF-style (leftmost placement, unchanged base first): chr3-46858273-CT-C. GRCh37 (hg19) VCF-style: chr3-46899763-CT-C.
Other names: c.560-2del (NM_001406939.1, NM_001406938.1, NM_001406937.1); c.386-2del (NM_001406940.1); c.371-2del (NM_001406941.1); c.560-2delA (NM_000258.2).
Identifiers: ClinVar variation 454400 (VCV000454400.5), dbSNP rs1553639782, ClinGen allele CA658657291.

ClinVar aggregate classification (germline): Uncertain significance (1 of 4 stars; one submission).

Conditions:
Hypertrophic cardiomyopathy. Also called: HYPERTROPHIC MYOCARDIOPATHY. Identifiers: Orphanet 217569, MedGen C0007194, MeSH D002312, MONDO:0005045, HP:0001639.

Submission:

Labcorp Genetics (formerly Invitae), Labcorp
Classification: Uncertain significance for Hypertrophic cardiomyopathy. Last evaluated: 2021-08-03. Review status: criteria provided, single submitter. Criteria: Invitae Variant Classification Sherloc (09022015). Collection method: clinical testing. Allele origin: germline.
Comment: The current clinical and genetic evidence is not sufficient to establish whether loss-of-function variants in MYL3 cause disease. Therefore, this variant has been classified as a Variant of Uncertain Significance. This variant is not present in population databases (ExAC no frequency) and has not been reported in the literature in individuals with a MYL3-related disease. This sequence change affects an acceptor splice site in intron 5 of the MYL3 gene. It is expected to disrupt RNA splicing and likely results in an absent or disrupted protein product.